The following is an entry in ClinVar:

ClinVar aggregate classification (germline): Conflicting classifications of pathogenicity. Review status: criteria provided, conflicting classifications (1 of 4 stars). 7 submissions from 7 submitters: Pathogenic (2); Likely pathogenic (4); Uncertain significance (1). Last evaluated 2025-09-10.

Conditions:
Marfan syndrome (MFS). Also called: MARFAN SYNDROME, TYPE I; FBN1-Related Marfan Syndrome; Marfan syndrome type 1; Marfan's syndrome; Marfan syndrome, classic. Identifiers: Orphanet 284963, Orphanet 558, MedGen C0024796, MONDO:0007947, OMIM 154700.
Familial thoracic aortic aneurysm and aortic dissection (TAAD). Also called: Thoracic aortic aneurysms and dissections. Identifiers: Orphanet 91387, MedGen C4707243, MONDO:0019625.
FBN1-related disorder. Also called: FBN1-related disorders.

Submissions (7):

Genomic Medicine Center of Excellence, King Faisal Specialist Hospital and Research Centre
Classification: Likely pathogenic for Marfan syndrome. Last evaluated: 2025-09-10. Review status: criteria provided, single submitter. Criteria: ACMG Guidelines, 2015. Collection method: clinical testing. Allele origin: germline.

Greenwood Genetic Center Diagnostic Laboratories, Greenwood Genetic Center
Classification: Uncertain significance. Last evaluated: 2025-06-23. Review status: criteria provided, single submitter. Criteria: ACMG Guidelines, 2015. Collection method: clinical testing. Allele origin: germline. Affected: yes.
Comment: PS4_Supporting, PM2, PP3, PP4

CHEO Genetics Diagnostic Laboratory, Children's Hospital of Eastern Ontario
Classification: Likely pathogenic for Familial thoracic aortic aneurysm and aortic dissection. Last evaluated: 2024-09-03. Review status: criteria provided, single submitter. Criteria: ACMG Guidelines, 2015. Collection method: clinical testing. Allele origin: germline. Inheritance: Autosomal dominant inheritance.

Center for Genomics, Ann and Robert H. Lurie Children's Hospital of Chicago
Classification: Pathogenic for Marfan syndrome. Last evaluated: 2023-03-22. Review status: criteria provided, single submitter. Criteria: ACMG Guidelines, 2015. Collection method: clinical testing. Allele origin: germline.
Comment: This variant has been reported in the literature as de novo in at least one individual with Marfan syndrome (Katzke 2002 PMID: 12203992). It was also identified in three unrelated individuals with Marfan syndrome at external laboratories including once as de novo with confirmation of maternity and paternity, and in one family it was found to segregate with disease in an affected family member (ClinVar Variation ID: 449438; Invitae and CHEO, personal communication). This variant is not present in gnomAD. Computational splice prediction algorithms suggest that this variant is likely to impact splicing by weaking the splice donor site. In summary, this variant is classified as pathogenic.

Labcorp Genetics (formerly Invitae), Labcorp
Classification: Pathogenic for Marfan syndrome; Familial thoracic aortic aneurysm and aortic dissection. Last evaluated: 2022-07-05. Review status: criteria provided, single submitter. Criteria: Invitae Variant Classification Sherloc (09022015). Collection method: clinical testing. Allele origin: germline.
Comment: This variant has been observed in individual(s) with clinical features of FBN1-related conditions (PMID: 12203992; Invitae). In at least one individual the variant was observed to be de novo. This variant is not present in population databases (gnomAD no frequency). This sequence change falls in intron 51 of the FBN1 gene. It does not directly change the encoded amino acid sequence of the FBN1 protein. It affects a nucleotide within the consensus splice site. This variant is also known as IVS50+3A>G. For these reasons, this variant has been classified as Pathogenic. Variants that disrupt the consensus splice site are a relatively common cause of aberrant splicing (PMID: 17576681, 9536098). Algorithms developed to predict the effect of sequence changes on RNA splicing suggest that this variant may disrupt the consensus splice site. ClinVar contains an entry for this variant (Variation ID: 449438).

Blueprint Genetics
Classification: Likely pathogenic for FBN1-related disorders. Last evaluated: 2021-08-30. Review status: criteria provided, single submitter. Criteria: ACMG Guidelines, 2015. Collection method: clinical testing. Allele origin: germline. Affected: yes. Observed: 1 variant allele.

GeneDx
Classification: Likely pathogenic. Last evaluated: 2019-11-12. Review status: criteria provided, single submitter. Criteria: GeneDx Variant Classification Process June 2021. Collection method: clinical testing. Allele origin: germline. Affected: yes.
Comment: Not observed in large population cohorts (Lek et al., 2016); In silico analysis, which includes splice predictors and evolutionary conservation, supports a deleterious effect; This variant is associated with the following publications: (PMID: 12938084, 12203992, 12203987, 25525159)

Literature cited by the submitters: PubMed 12203992 (cited by Center for Genomics, Ann and Robert H. Lurie Children's Hospital of Chicago and Labcorp Genetics (formerly Invitae), Labcorp); PubMed 17576681 (cited by Labcorp Genetics (formerly Invitae), Labcorp); PubMed 9536098 (cited by Labcorp Genetics (formerly Invitae), Labcorp).

NM_000138.5(FBN1):c.6313+3A>G

Gene: FBN1 (fibrillin 1; minus strand). Cytogenetic location: 15q21.1.
Variant type: single nucleotide variant.
Coding change: c.6313+3A>G on transcript NM_000138.5 (MANE Select); 3 bases into the intron after coding-DNA position 6313, A replaced by G.
Molecular consequence: intron variant.
Genome position (GRCh38, 1-based): chr15:48,437,765, T>C on the plus strand (A>G on the coding strand, the complement: FBN1 is on the minus strand). VCF-style: chr15-48437765-T-C. GRCh37 (hg19) VCF-style: chr15-48729962-T-C.
Identifiers: ClinVar variation 449438 (VCV000449438.16), dbSNP rs1555395256, ClinGen allele CA658656479.